The following is an entry in ClinVar:

NM_006099.3(PIAS3):c.499C>T (p.Gln167Ter)

Gene: PIAS3 (protein inhibitor of activated STAT 3; minus strand). Cytogenetic location: 1q21.1.
Variant type: single nucleotide variant.
Coding change: c.499C>T on transcript NM_006099.3 (MANE Select); coding-DNA position 499, C replaced by T.
Protein change: p.Gln167Ter; replaces glutamine 167 with a stop codon.
Molecular consequence: nonsense.
Genome position (GRCh38, 1-based): chr1:145,856,375, G>A on the plus strand (C>T on the coding strand, the complement: PIAS3 is on the minus strand). VCF-style: chr1-145856375-G-A. GRCh37 (hg19) VCF-style: chr1-145578693-C-T.
Other names: short protein forms Q167*.
Identifiers: ClinVar variation 829799 (VCV000829799.1), dbSNP rs1570778920, ClinGen allele CA342142981.

ClinVar aggregate classification (germline): Uncertain significance (1 of 4 stars; one submission).

Allele frequency attached by ClinVar (database versions not stated): gnomAD exomes below 0.00001; TOPMed below 0.00001.

Submission:

HudsonAlpha Institute for Biotechnology
Classification: Uncertain significance. Last evaluated: 2019-09-04. Review status: criteria provided, single submitter. Criteria: ACMG Guidelines, 2015. Collection method: research. Allele origin: unknown. Observed: 1 variant allele. Study: CSER-SouthSeq.
Comment: ACMG codes: PM2